The following is an entry in ClinVar:

NM_006901.4(MYO9A):c.183T>C (p.Tyr61=)

Gene: MYO9A (myosin IXA; minus strand). Cytogenetic location: 15q23.
Variant type: single nucleotide variant.
Coding change: c.183T>C on transcript NM_006901.4 (MANE Select); coding-DNA position 183, T replaced by C.
Protein change: p.Tyr61=; no amino-acid change (tyrosine 61 retained).
Molecular consequence: synonymous variant.
Genome position (GRCh38, 1-based): chr15:72,046,381, A>G on the plus strand (T>C on the coding strand, the complement: MYO9A is on the minus strand). VCF-style: chr15-72046381-A-G. GRCh37 (hg19) VCF-style: chr15-72338722-A-G.
Identifiers: ClinVar variation 710371 (VCV000710371.6), dbSNP rs371946435, ClinGen allele CA7642495.

ClinVar aggregate classification (germline): Likely benign. Review status: criteria provided, multiple submitters, no conflicts (2 of 4 stars). 3 submissions from 3 submitters: Likely benign (2). 1 of the submissions does not count toward it. Last evaluated 2024-09-12.

Conditions:
MYO9A-related disorder. Also called: MYO9A-related condition.

Allele frequency attached by ClinVar (database versions not stated): ESP Exome Variant Server 0.00008; gnomAD exomes 0.00009 and 0.00016; gnomAD 0.00010 and 0.00011; TOPMed 0.00011; 1000 Genomes Project 30x 0.00016; 1000 Genomes Project 0.00020; ExAC 0.00020.
gnomAD v4.1: 152 of 1,614,198 alleles (0.0094%); highest among the groups gnomAD compares: Middle Eastern, 0.066%; no homozygotes.

Submissions (3):

Blueprint Genetics
Classification: Likely benign. Last evaluated: 2024-09-12. Review status: criteria provided, single submitter. Criteria: ACMG Guidelines, 2015. Collection method: clinical testing. Allele origin: germline.

Labcorp Genetics (formerly Invitae), Labcorp
Classification: Likely benign. Last evaluated: 2018-06-28. Review status: criteria provided, single submitter. Criteria: Invitae Variant Classification Sherloc (09022015). Collection method: clinical testing. Allele origin: germline.

PreventionGenetics, part of Exact Sciences
Classification: Likely benign for MYO9A-related condition. Last evaluated: 2024-02-09. Review status: no assertion criteria provided. Collection method: clinical testing. Allele origin: germline. Not counted in ClinVar's aggregate classification.
Comment: This variant is classified as likely benign based on ACMG/AMP sequence variant interpretation guidelines (Richards et al. 2015 PMID: 25741868, with internal and published modifications).